The following is an entry in ClinVar:

ClinVar aggregate classification (germline): Pathogenic (1 of 4 stars; one submission).

Conditions:
Hereditary breast ovarian cancer syndrome. Also called: Hereditary breast and ovarian cancer syndrome; BRCA1- and BRCA2-Associated Hereditary Breast and Ovarian Cancer; Breast and ovarian cancer; Hereditary breast and ovarian cancer; Hereditary breast and ovarian cancer syndrome (HBOC); Hereditary breast and/or ovarian cancer syndrome. Identifiers: Orphanet 145, MedGen C0677776, MeSH D061325, MONDO:0003582. Disease mechanism: loss of function.

Submission:

Women's Health and Genetics/Laboratory Corporation of America, LabCorp
Classification: Pathogenic for Hereditary breast ovarian cancer syndrome. Last evaluated: 2024-07-24. Review status: criteria provided, single submitter. Criteria: LabCorp Variant Classification Summary - May 2015. Collection method: clinical testing. Allele origin: germline.
Comment: Variant summary: The variant involves the deletion of exons 6-9 in the RAD51C gene. A presumed nomenclature of c.(837+1_838-1)_(*1390_?)del has been designated for the purposes of this classification. The exact breakpoint at the distal 3' end of this variant is unknown, therefore this deletion may extend downstream of the annotated region of the gene. As it encompasses the termination codon, it is predicted to escape nonsense mediated decay (NMD). A large deletion matching exons 6-9 of the RAD51C gene was found at a frequency of 8.6e-06 in 462879 control chromosomes gnomAD database (CNVs v4.1 dataset). The deletion of exons 6-9 in the RAD51C gene has been reported in the literature in individuals affected with Hereditary Breast and Ovarian Cancer Syndrome, and other tumor phenotypes (e.g. Sato_2017, Ring_2016). To our knowledge, no experimental evidence demonstrating an impact on protein function has been reported. However, missense variants in the deleted region have been reported in affected individuals (HGMD) and been classified as pathogenic by our laboratory in ClinVar (e.g. variation ID 182836), indicating the clinical/functional importance of the deleted region. The following publications have been ascertained in the context of this evaluation (PMID: 28796317, 27443514). ClinVar contains an entry for this variant (Variation ID: 832995). Based on the evidence outlined above, the variant was classified as likely pathogenic.

Literature cited by the submitters: PubMed 27443514; PubMed 28796317.

NC_000017.10:g.(56787352_56798106)_(56812973_?)del

Gene: RAD51C (RAD51 paralog C; plus strand). Cytogenetic location: 17q22.
Variant type: Deletion.
Identifiers: ClinVar variation 3339350 (VCV003339350.1).